The following is an entry in ClinVar:

ClinVar aggregate classification (germline): Benign/Likely benign. Review status: criteria provided, multiple submitters, no conflicts (2 of 4 stars). 5 submissions from 5 submitters: Benign (1); Likely benign (4). Last evaluated 2025-08-27.

Conditions:
Familial adenomatous polyposis 1 (FAP1). Also called: FAMILIAL ADENOMATOUS POLYPOSIS 1, ATTENUATED; POLYPOSIS, ADENOMATOUS INTESTINAL. Identifiers: MedGen C2713442, MONDO:0021056, OMIM 175100. Disease mechanism: loss of function.
Classic or attenuated familial adenomatous polyposis. Identifiers: MedGen CN372698, MONDO:0021057.
Hereditary cancer-predisposing syndrome. Also called: Neoplastic Syndromes, Hereditary; Tumor predisposition; Hereditary Cancer Syndrome; Hereditary neoplastic syndrome. Identifiers: Orphanet 140162, MedGen C0027672, MeSH D009386, MONDO:0015356.

Allele frequency attached by ClinVar (database versions not stated): gnomAD exomes below 0.00001; ExAC 0.00001; gnomAD 0.00001; TOPMed 0.00001; ESP Exome Variant Server 0.00008.
gnomAD v4.1: 2 of 1,614,054 alleles (0.00012%); highest among the groups gnomAD compares: African/African-American, 0.0013%; no homozygotes.

Submissions (5):

Labcorp Genetics (formerly Invitae), Labcorp
Classification: Likely benign for Familial adenomatous polyposis 1. Last evaluated: 2025-08-27. Review status: criteria provided, single submitter. Criteria: Invitae Variant Classification Sherloc (09022015). Collection method: clinical testing. Allele origin: germline.

All of Us Research Program, National Institutes of Health
Classification: Likely benign for Classic or attenuated familial adenomatous polyposis. Last evaluated: 2024-08-06. Review status: criteria provided, single submitter. Criteria: ACMG Guidelines, 2015. Collection method: clinical testing. Allele origin: germline. Inheritance: Autosomal dominant inheritance. Observed: 1 variant allele, 1 heterozygote.
Comment: This study involves interpretation of variants in research participants for the purpose of population health screening. Participant phenotype was not available at the time of variant classification. Additional details can be found in publication PMID: 35346344, PMCID: PMC8962531

Myriad Genetics, Inc.
Classification: Benign for Familial adenomatous polyposis 1. Last evaluated: 2024-03-08. Review status: criteria provided, single submitter. Criteria: Myriad Autosomal Dominant, Autosomal Recessive and X-Linked Classification Criteria (2023). Collection method: clinical testing. Allele origin: unknown.
Comment: This variant is considered benign. This variant is a silent/synonymous amino acid change and it is not expected to impact splicing.

Color Diagnostics, LLC DBA Color Health
Classification: Likely benign for Hereditary cancer-predisposing syndrome. Last evaluated: 2020-01-15. Review status: criteria provided, single submitter. Criteria: ACMG Guidelines, 2015. Collection method: clinical testing. Allele origin: germline.

Ambry Genetics
Classification: Likely benign for Hereditary cancer-predisposing syndrome. Last evaluated: 2018-09-25. Review status: criteria provided, single submitter. Criteria: Ambry Variant Classification Scheme 2023. Collection method: clinical testing. Allele origin: germline.

NM_000038.6(APC):c.2100C>T (p.Asp700=)

Gene: APC (APC regulator of Wnt signaling pathway; plus strand). Cytogenetic location: 5q22.2.
Variant type: single nucleotide variant.
Coding change: c.2100C>T on transcript NM_000038.6 (MANE Select); coding-DNA position 2100, C replaced by T.
Protein change: p.Asp700=; no amino-acid change (aspartic acid 700 retained).
Molecular consequence: synonymous variant.
Genome position (GRCh38, 1-based): chr5:112,837,694, C>T. VCF-style: chr5-112837694-C-T. GRCh37 (hg19) VCF-style: chr5-112173391-C-T.
Other names: c.2100C>T, p.Asp700= (NM_001127510.3, NM_001354895.2); c.2046C>T, p.Asp682= (NM_001127511.3); c.2154C>T, p.Asp718= (NM_001354896.2); c.2130C>T, p.Asp710= (NM_001354897.2); c.2025C>T, p.Asp675= (NM_001354898.2); c.2016C>T, p.Asp672= (NM_001354899.2); c.1977C>T, p.Asp659= (NM_001354900.2); c.1923C>T, p.Asp641= (NM_001354901.2); and 5 more.
Identifiers: ClinVar variation 820719 (VCV000820719.17), dbSNP rs376487701, ClinGen allele CA030755.